The following is an entry in ClinVar:

NM_002528.7(NTHL1):c.300A>T (p.Ala100=)

Gene: NTHL1 (nth like DNA glycosylase 1; minus strand). Cytogenetic location: 16p13.3.
Variant type: single nucleotide variant.
Coding change: c.300A>T on transcript NM_002528.7 (MANE Select); coding-DNA position 300, A replaced by T.
Protein change: p.Ala100=; no amino-acid change (alanine 100 retained).
Molecular consequence: synonymous variant. On other transcripts: intron variant (1).
Genome position (GRCh38, 1-based): chr16:2,046,182, T>A on the plus strand (A>T on the coding strand, the complement: NTHL1 is on the minus strand). VCF-style: chr16-2046182-T-A. GRCh37 (hg19) VCF-style: chr16-2096183-T-A.
Other names: c.300A>T, p.Ala100= (NM_001318193.2); c.24+98A>T (NM_001318194.2).
Identifiers: ClinVar variation 2682031 (VCV002682031.1), dbSNP rs2150945493, ClinGen allele CA492953239.
Genomic context (GRCh38, chr16:2,046,182, plus strand): 5'-GCCTACCTTTGGGGGGGCACTGGAGTCATAGCAGTGCTCAGTCCCCAGATGGTCCACAGG[T>A]GCATCCTTTTTGTTCCTCATGGCACGGATGTTGACCAGCTGTTGCTGCCAGTCCTGGGGC-3'
Protein context (NP_002519.2, residues 90-110): NIRAMRNKKD[Ala100=]PVDHLGTEHC

ClinVar aggregate classification (germline): Uncertain significance (1 of 4 stars; one submission).

Submission:

Quest Diagnostics Nichols Institute San Juan Capistrano
Classification: Uncertain significance. Last evaluated: 2023-08-16. Review status: criteria provided, single submitter. Criteria: Quest Diagnostics criteria. Collection method: clinical testing. Allele origin: unknown.
Comment: To the best of our knowledge, this variant has not been reported in the published literature. It also has not been reported in large, multi-ethnic general populations (Genome Aggregation Database). Analysis of this variant using software algorithms for the prediction of the effect of nucleotide changes on splicing yielded predictions that this variant does not affect NTHL1 mRNA splicing . Based on the available information, we are unable to determine the clinical significance of this variant.